The following is an entry in ClinVar:

ClinVar aggregate classification (germline): Conflicting classifications of pathogenicity. Review status: criteria provided, conflicting classifications (1 of 4 stars). 2 submissions from 2 submitters: Uncertain significance (1); Likely benign (1). Last evaluated 2025-10-08.

Conditions:
Hypertrophic cardiomyopathy. Also called: HYPERTROPHIC MYOCARDIOPATHY. Identifiers: Orphanet 217569, MedGen C0007194, MeSH D002312, MONDO:0005045, HP:0001639.

Allele frequency attached by ClinVar (database versions not stated): ExAC 0.00011; gnomAD exomes 0.00011 and 0.00018; gnomAD 0.00013 and 0.00016; TOPMed 0.00015; ESP Exome Variant Server 0.00017.
gnomAD v4.1: 288 of 1,612,908 alleles (0.018%); highest among the groups gnomAD compares: African/African-American, 0.027%; no homozygotes.

Submissions (2):

Labcorp Genetics (formerly Invitae), Labcorp
Classification: Uncertain significance for Hypertrophic cardiomyopathy. Last evaluated: 2025-10-08. Review status: criteria provided, single submitter. Criteria: Invitae Variant Classification Sherloc (09022015). Collection method: clinical testing. Allele origin: germline.
Comment: This sequence change replaces arginine, which is basic and polar, with tryptophan, which is neutral and slightly polar, at codon 402 of the MYOM1 protein (p.Arg402Trp). This variant is present in population databases (rs371754365, gnomAD 0.03%). This variant has not been reported in the literature in individuals affected with MYOM1-related conditions. ClinVar contains an entry for this variant (Variation ID: 573920). An algorithm developed to predict the effect of missense changes on protein structure and function (PolyPhen-2) suggests that this variant is likely to be disruptive. In summary, the available evidence is currently insufficient to determine the role of this variant in disease. Therefore, it has been classified as a Variant of Uncertain Significance.

Victorian Clinical Genetics Services, Murdoch Childrens Research Institute
Classification: Likely benign for Hypertrophic cardiomyopathy. Last evaluated: 2020-06-11. Review status: criteria provided, single submitter. Criteria: ACMG Guidelines, 2015. Collection method: clinical testing. Allele origin: germline. Inheritance: Autosomal dominant inheritance.
Comment: Based on the classification scheme VCGS_Germline_v1.1.1, this variant is classified as likely benign. Following criteria are met: 0105 - The mechanism of disease for this gene is not clearly established. There is limited evidence regarding variant in this gene. Loss of function is indicated from functional studies in PMID: 21256114. (N) 0107 - This gene is known to be associated with autosomal dominant disease. There is limited evidence for disease-causing variants in this gene. Several reports of putative variants causing hypertrophic cardiomyopathy in families with autosomal dominance inheritance. (PMID: 21256114. PMID: 27600940, PMID: 26656175). There is no disease associated with this gene in OMIM. (N) 0112 - Variants in this gene are known to have reduced penetrance. Limited evidence for disease-causing variants in this gene. There is one report of age-related disease penetrance for a missense variant segregating in a family with HCM. (PMID: 21256114). 0200 - Variant is predicted to result in a missense amino acid change from arginine to tryptophan. (N) 0251 - Variant is heterozygous. (N) 0302 - Variant is present in gnomAD <0.001 for a dominant condition 0.000133 (37 het, 0 hom). (P) 0309 - An alternative amino acid change at the same position has been observed in gnomAD:p.(Arg402Gl): 0.00001 (3 het, 0 hom). (N) 0502 - Missense variant with conflicting in silico predictions and/or uninformative conservation. Major amino acid change, low conservation. (N) 0604 - Variant is not located in an established domain, motif, hotspot or informative constraint region. (N) 0705 - No comparable variants have previous evidence for pathogenicity. (N) 0804 - Variant is present in the population and has previously been described as a variant of uncertain significance (VUS) once in ClinVar. (N) 0905 - No segregation evidence has been identified for this variant. (N) 1007 - No published functional evidence has been identified for this variant. (N) Legend: (P) - Pathogenic, (N) - Neutral, (B) - Benign

Literature cited by the submitters: PubMed 21256114 (cited by Victorian Clinical Genetics Services, Murdoch Childrens Research Institute); PubMed 26656175 (cited by Victorian Clinical Genetics Services, Murdoch Childrens Research Institute); PubMed 27600940 (cited by Victorian Clinical Genetics Services, Murdoch Childrens Research Institute).

NM_003803.4(MYOM1):c.1204C>T (p.Arg402Trp)

Gene: MYOM1 (myomesin 1; minus strand). Cytogenetic location: 18p11.31.
Variant type: single nucleotide variant.
Coding change: c.1204C>T on transcript NM_003803.4 (MANE Select); coding-DNA position 1204, C replaced by T.
Protein change: p.Arg402Trp; replaces arginine 402 with tryptophan.
Molecular consequence: missense variant.
Genome position (GRCh38, 1-based): chr18:3,168,952, G>A on the plus strand (C>T on the coding strand, the complement: MYOM1 is on the minus strand). VCF-style: chr18-3168952-G-A. GRCh37 (hg19) VCF-style: chr18-3168950-G-A.
Other names: c.1204C>T, p.Arg402Trp (NM_019856.2); short protein forms R402W.
Identifiers: ClinVar variation 573920 (VCV000573920.11), dbSNP rs371754365, ClinGen allele CA8875007.
Genomic context (GRCh38, chr18:3,168,952, plus strand): 5'-TTGTCTCTCCCTCTCTCCCAAAAGACACATCAAATTTGTCATCAAAGTGGATCTCAAACC[G>A]GGATGCATAACCATATGGGGTCACACCAACTGGGTACAAAAATAACAAATATCAGTAATT-3'
Protein context (NP_003794.3, residues 392-412): FGVTPYGYAS[Arg402Trp]FEIHFDDKFD